The following is an entry in ClinVar:

ClinVar aggregate classification (germline): Likely pathogenic (1 of 4 stars; one submission).

Conditions:
Cornelia de Lange syndrome 6 (CDLS6). Identifiers: MedGen C5882712, MONDO:0957921, OMIM 620568.

Submission:

New York Genome Center
Classification: Likely pathogenic for Cornelia de Lange syndrome 6. Last evaluated: 2019-12-13. Review status: criteria provided, single submitter. Criteria: NYGC Assertion Criteria 2020. Collection method: clinical testing. Allele origin: germline. Affected: yes. Observed: 1 heterozygote. Study: CSER-NYCKidSeq.
Comment: The c.710_711del (p.Pro237ArgfsTer64) variant is the deletion of two nucleotides resulting in a frameshift of the protein at amino acid 237/1363 (coding exon 5/20), which is predicted to lead to the premature termination of the protein approximately 64 amino acids downstream. This variant is absent from gnomAD suggesting it is not a common benign variant in the populations represented in that database. This variant is absent from ClinVar and to our current knowledge has not been reported in affected individuals in the literature, however a different frameshift variant 6 amino acids upstream (p.Asp231Thrfs*9), has been reported in an individual with BRD4associated Cornelia de Lange-like syndrome [PMID: 29379197]. Given its deleterious nature and absence in population databases, the c.710_711del (p.Pro237ArgfsTer64) variant identified in this individual is reported here as Likely Pathogenic

NM_001379291.1(BRD4):c.710_711del (p.Pro237fs)

Gene: BRD4 (bromodomain containing 4; minus strand). Cytogenetic location: 19p13.12.
Variant type: Deletion.
Coding change: c.710_711del on transcript NM_001379291.1 (MANE Select); coding-DNA positions 710 to 711, 2 bases deleted (CT; older notation c.710_711delCT).
Protein change: p.Pro237fs; shifts the reading frame from proline 237.
Molecular consequence: frameshift variant.
Genome position (GRCh38, 1-based): chr19:15,265,492-15,265,493, AG deleted on the plus strand (CT on the coding strand, the reverse complement: BRD4 is on the minus strand). VCF-style (leftmost placement, unchanged base first): chr19-15265491-CAG-C. GRCh37 (hg19) VCF-style: chr19-15376302-CAG-C.
Other names: c.710_711del, p.Pro237fs (NM_001330384.2, NM_001379292.1, NM_014299.3 and 1 more transcripts); short protein forms P237fs.
Identifiers: ClinVar variation 977428 (VCV000977428.3), dbSNP rs2047523428, ClinGen allele CA1139666329.